The following is an entry in ClinVar:

ClinVar aggregate classification (germline): Uncertain significance. Review status: criteria provided, multiple submitters, no conflicts (2 of 4 stars). 3 submissions from 3 submitters: Uncertain significance (3). Last evaluated 2024-11-14.

Conditions:
Inborn genetic diseases. Identifiers: MedGen C0950123, MeSH D030342.
Epidermolysis bullosa simplex 5B, with muscular dystrophy (EBS5B). Also called: Epidermolysis bullosa simplex with muscular dystrophy; EPIDERMOLYSIS BULLOSA SIMPLEX AND LIMB-GIRDLE MUSCULAR DYSTROPHY. Identifiers: Orphanet 257, MedGen C2931072, MONDO:0009181, OMIM 226670.
Epidermolysis bullosa simplex, Ogna type (EBS5A). Also called: Pidermolysis bullosa simplex 5A, Ogna type; EPIDERMOLYSIS BULLOSA SIMPLEX 5A, OGNA TYPE. Identifiers: Orphanet 79401, MedGen C0432317, MONDO:0007555, OMIM 131950.
Epidermolysis bullosa simplex 5C, with pyloric atresia (EBS5C). Also called: PLEC-Related Epidermolysis Bullosa with Pyloric Atresia; Epidermolysis bullosa simplex with pyloric atresia; PLEC1-Related Epidermolysis Bullosa with Pyloric Atresia. Identifiers: Orphanet 158684, MedGen C2677349, MONDO:0012807, OMIM 612138.
Autosomal recessive limb-girdle muscular dystrophy type 2Q (LGMDR17). Also called: MUSCULAR DYSTROPHY, LIMB-GIRDLE, AUTOSOMAL RECESSIVE 17. Identifiers: Orphanet 254361, MedGen C3150989, MONDO:0013390, OMIM 613723.
Epidermolysis bullosa simplex with nail dystrophy (EBS5D). Identifiers: MedGen C4225309, MONDO:0014661, OMIM 616487.

Allele frequency attached by ClinVar (database versions not stated): TOPMed 0.00001; gnomAD 0.00002; gnomAD exomes 0.00003; ExAC 0.00004.

Submissions (3):

Ambry Genetics
Classification: Uncertain significance for Inborn genetic diseases. Last evaluated: 2024-11-14. Review status: criteria provided, single submitter. Criteria: Ambry Variant Classification Scheme 2023. Collection method: clinical testing. Allele origin: germline.

Revvity Omics, Revvity
Classification: Uncertain significance. Last evaluated: 2024-06-28. Review status: criteria provided, single submitter. Criteria: ACMG Guidelines, 2015. Collection method: clinical testing. Allele origin: germline.

Labcorp Genetics (formerly Invitae), Labcorp
Classification: Uncertain significance for Autosomal recessive limb-girdle muscular dystrophy type 2Q; Epidermolysis bullosa simplex, Ogna type; Epidermolysis bullosa simplex with nail dystrophy; Epidermolysis bullosa simplex 5C, with pyloric atresia; Epidermolysis bullosa simplex 5B, with muscular dystrophy. Last evaluated: 2023-07-03. Review status: criteria provided, single submitter. Criteria: Invitae Variant Classification Sherloc (09022015). Collection method: clinical testing. Allele origin: germline.
Comment: In summary, the available evidence is currently insufficient to determine the role of this variant in disease. Therefore, it has been classified as a Variant of Uncertain Significance. Advanced modeling of protein sequence and biophysical properties (such as structural, functional, and spatial information, amino acid conservation, physicochemical variation, residue mobility, and thermodynamic stability) performed at Invitae indicates that this missense variant is not expected to disrupt PLEC protein function. ClinVar contains an entry for this variant (Variation ID: 1001023). This variant has not been reported in the literature in individuals affected with PLEC-related conditions. This variant is present in population databases (rs781892147, gnomAD 0.006%). This sequence change replaces arginine, which is basic and polar, with tryptophan, which is neutral and slightly polar, at codon 708 of the PLEC protein (p.Arg708Trp).

NM_201384.3(PLEC):c.2041C>T (p.Arg681Trp)

Gene: PLEC (plectin; minus strand). Cytogenetic location: 8q24.3.
Variant type: single nucleotide variant.
Coding change: c.2041C>T on transcript NM_201384.3 (MANE Select); coding-DNA position 2041, C replaced by T.
Protein change: p.Arg681Trp; replaces arginine 681 with tryptophan.
Molecular consequence: missense variant.
Genome position (GRCh38, 1-based): chr8:143,932,171, G>A on the plus strand (C>T on the coding strand, the complement: PLEC is on the minus strand). VCF-style: chr8-143932171-G-A. GRCh37 (hg19) VCF-style: chr8-145006339-G-A.
Other names: c.2122C>T (NM_000445.3); c.2122C>T, p.Arg708Trp (NM_000445.5); c.1999C>T, p.Arg667Trp (NM_201378.4); c.1975C>T, p.Arg659Trp (NM_201379.3); c.2452C>T, p.Arg818Trp (NM_201380.4); c.1945C>T, p.Arg649Trp (NM_201381.3); c.2041C>T, p.Arg681Trp (NM_201382.4); c.2053C>T, p.Arg685Trp (NM_201383.3); short protein forms R649W, R659W, R667W, R681W, R685W, R708W, R818W.
Identifiers: ClinVar variation 1001023 (VCV001001023.9), dbSNP rs781892147, ClinGen allele CA4927724.